The following is an entry in ClinVar:

NM_000234.3(LIG1):c.1254+154T>G

Gene: LIG1 (DNA ligase 1; minus strand). Cytogenetic location: 19q13.33.
Variant type: single nucleotide variant.
Coding change: c.1254+154T>G on transcript NM_000234.3 (MANE Select); 154 bases into the intron after coding-DNA position 1254, T replaced by G.
Molecular consequence: intron variant.
Genome position (GRCh38, 1-based): chr19:48,137,368, A>C on the plus strand (T>G on the coding strand, the complement: LIG1 is on the minus strand). VCF-style: chr19-48137368-A-C. GRCh37 (hg19) VCF-style: chr19-48640625-A-C.
Other names: NC_000019.9:g.48640625A>C; c.1161+154T>G (NM_001289063.2); c.1164+154T>G (NM_001320971.2); c.1050+154T>G (NM_001289064.2); c.1251+154T>G (NM_001320970.2).
Identifiers: ClinVar variation 2628123 (VCV002628123.3), dbSNP rs419664, ClinGen allele CA14645463.

ClinVar aggregate classification (germline): Benign (1 of 4 stars; one submission).

Allele frequency attached by ClinVar (database versions not stated): 1000 Genomes Project 0.71865; TOPMed 0.65082; 1000 Genomes Project 30x 0.71658.
gnomAD v4.1: 97,175 of 152,092 alleles (64%); highest among the groups gnomAD compares: East Asian, 87%; 32,594 homozygotes.

Submissions (3):

Unidad de Genómica Garrahan, Hospital de Pediatría Garrahan
Classification: Benign. Last evaluated: 2023-11-12. Review status: criteria provided, single submitter. Criteria: ACMG Guidelines, 2015. Collection method: clinical testing. Allele origin: germline. Affected: no. Observed: 70 variant alleles.
Comment: This variant is classified as Benign based on local population frequency. This variant was detected in 73% of patients studied by a panel of primary immunodeficiencies. Number of patients: 70. Only high quality variants are reported.

Dr. Peter K. Rogan Lab, Western University
No classification provided (evidence only). Condition: Hepatocellular carcinoma. Review status: no classification provided. Collection method: in vitro. Allele origin: not applicable. Functional consequence: retained intron. Not counted in ClinVar's aggregate classification.

Dr. Peter K. Rogan Lab, Western University
No classification provided (evidence only). Condition: Hepatocellular carcinoma. Review status: no classification provided. Collection method: in vitro. Allele origin: not applicable. Functional consequence: retained intron. Not counted in ClinVar's aggregate classification.